The following is an entry in ClinVar:

ClinVar aggregate classification (germline): Uncertain significance. Review status: criteria provided, multiple submitters, no conflicts (2 of 4 stars). 2 submissions from 2 submitters: Uncertain significance (2). Last evaluated 2025-06-06.

Conditions:
2-aminoadipic 2-oxoadipic aciduria (AAKAD). Also called: ALPHA-AMINOADIPIC AND ALPHA-KETOADIPIC ACIDURIA; Aminoadipic aciduria. Identifiers: Orphanet 79154, MedGen C1859817, MONDO:0008774, OMIM 204750.

Allele frequency attached by ClinVar (database versions not stated): TOPMed 0.00002; gnomAD exomes 0.00003 and 0.00006; ExAC 0.00006.

Submissions (2):

Labcorp Genetics (formerly Invitae), Labcorp
Classification: Uncertain significance for 2-aminoadipic 2-oxoadipic aciduria. Last evaluated: 2025-06-06. Review status: criteria provided, single submitter. Criteria: Invitae Variant Classification Sherloc (09022015). Collection method: clinical testing. Allele origin: germline.
Comment: This sequence change replaces arginine, which is basic and polar, with tryptophan, which is neutral and slightly polar, at codon 532 of the DHTKD1 protein (p.Arg532Trp). This variant is present in population databases (rs781243504, gnomAD 0.02%). This variant has not been reported in the literature in individuals affected with DHTKD1-related conditions. ClinVar contains an entry for this variant (Variation ID: 1029714). Invitae Evidence Modeling of protein sequence and biophysical properties (such as structural, functional, and spatial information, amino acid conservation, physicochemical variation, residue mobility, and thermodynamic stability) has been performed for this missense variant. However, the output from this modeling did not meet the statistical confidence thresholds required to predict the impact of this variant on DHTKD1 protein function. In summary, the available evidence is currently insufficient to determine the role of this variant in disease. Therefore, it has been classified as a Variant of Uncertain Significance.

Baylor Genetics
Classification: Uncertain significance for 2-aminoadipic 2-oxoadipic aciduria. Last evaluated: 2020-10-09. Review status: criteria provided, single submitter. Criteria: ACMG Guidelines, 2015. Collection method: clinical testing. Allele origin: unknown. Affected: yes.
Comment: This variant was determined to be of uncertain significance according to ACMG Guidelines, 2015 [PMID:25741868].

NM_018706.7(DHTKD1):c.1594C>T (p.Arg532Trp)

Gene: DHTKD1 (dehydrogenase E1 and transketolase domain containing 1; plus strand). Cytogenetic location: 10p14.
Variant type: single nucleotide variant.
Coding change: c.1594C>T on transcript NM_018706.7 (MANE Select); coding-DNA position 1594, C replaced by T.
Protein change: p.Arg532Trp; replaces arginine 532 with tryptophan.
Molecular consequence: missense variant.
Genome position (GRCh38, 1-based): chr10:12,097,919, C>T. VCF-style: chr10-12097919-C-T. GRCh37 (hg19) VCF-style: chr10-12139918-C-T.
Other names: short protein forms R532W.
Identifiers: ClinVar variation 1029714 (VCV001029714.6), dbSNP rs781243504, ClinGen allele CA5407894.